The following is an entry in ClinVar:

NM_004655.4(AXIN2):c.103C>G (p.Pro35Ala)

Gene: AXIN2 (axin 2; minus strand). Cytogenetic location: 17q24.1.
Variant type: single nucleotide variant.
Coding change: c.103C>G on transcript NM_004655.4 (MANE Select); coding-DNA position 103, C replaced by G.
Protein change: p.Pro35Ala; replaces proline 35 with alanine.
Molecular consequence: missense variant.
Genome position (GRCh38, 1-based): chr17:65,558,518, G>C on the plus strand (C>G on the coding strand, the complement: AXIN2 is on the minus strand). VCF-style: chr17-65558518-G-C. GRCh37 (hg19) VCF-style: chr17-63554636-G-C.
Other names: c.103C>G, p.Pro35Ala (NM_001363813.1); short protein forms P35A.
Identifiers: ClinVar variation 1773658 (VCV001773658.2), dbSNP rs2144591021, ClinGen allele CA400682183.

ClinVar aggregate classification (germline): Uncertain significance (1 of 4 stars; one submission).

Conditions:
Hereditary cancer-predisposing syndrome. Also called: Hereditary Cancer Syndrome; Hereditary neoplastic syndrome; Neoplastic Syndromes, Hereditary; Tumor predisposition. Identifiers: Orphanet 140162, MedGen C0027672, MeSH D009386, MONDO:0015356.

Submission:

Ambry Genetics
Classification: Uncertain significance for Hereditary cancer-predisposing syndrome. Last evaluated: 2020-02-14. Review status: criteria provided, single submitter. Criteria: Ambry Variant Classification Scheme 2023. Collection method: clinical testing. Allele origin: germline.
Comment: The p.P35A variant (also known as c.103C>G), located in coding exon 1 of the AXIN2 gene, results from a C to G substitution at nucleotide position 103. The proline at codon 35 is replaced by alanine, an amino acid with highly similar properties. This amino acid position is not well conserved in available vertebrate species. In addition, this alteration is predicted to be tolerated by in silico analysis. Since supporting evidence is limited at this time, the clinical significance of this alteration remains unclear.